The following is an entry in ClinVar:

NM_001243133.2(NLRP3):c.769A>T (p.Ile257Phe)

Gene: NLRP3 (NLR family pyrin domain containing 3; plus strand). Cytogenetic location: 1q44.
Variant type: single nucleotide variant.
Coding change: c.769A>T on transcript NM_001243133.2 (MANE Select); coding-DNA position 769, A replaced by T.
Protein change: p.Ile257Phe; replaces isoleucine 257 with phenylalanine.
Molecular consequence: missense variant.
Genome position (GRCh38, 1-based): chr1:247,424,218, A>T. VCF-style: chr1-247424218-A-T. GRCh37 (hg19) VCF-style: chr1-247587520-A-T.
Other names: c.769A>T, p.Ile257Phe (NM_001079821.3, NM_001127461.3, NM_001127462.3 and 1 more transcripts); c.775A>T, p.Ile259Phe (NM_004895.5); short protein forms I257F, I259F.
Identifiers: ClinVar variation 1312118 (VCV001312118.2), dbSNP rs2103107022, ClinGen allele CA345555393.

ClinVar aggregate classification (germline): Uncertain significance (1 of 4 stars; one submission).

Submission:

GeneDx
Classification: Uncertain significance. Last evaluated: 2019-09-09. Review status: criteria provided, single submitter. Criteria: GeneDx Variant Classification Process June 2021. Collection method: clinical testing. Allele origin: germline. Affected: yes.
Comment: Not observed in large population cohorts (Lek et al., 2016); In silico analysis, which includes protein predictors and evolutionary conservation, supports that this variant does not alter protein structure/function; Has not been previously published as pathogenic or benign to our knowledge